The following is an entry in ClinVar:

NM_005859.5(PURA):c.389C>A (p.Pro130Gln)

Genes: PURA (purine rich element binding protein A; plus strand), LOC129994826 (ATAC-STARR-seq lymphoblastoid active region 23260; plus strand). Cytogenetic location: 5q31.3.
Variant type: single nucleotide variant.
Coding change: c.389C>A on transcript NM_005859.5 (MANE Select); coding-DNA position 389, C replaced by A.
Protein change: p.Pro130Gln; replaces proline 130 with glutamine.
Molecular consequence: missense variant.
Genome position (GRCh38, 1-based): chr5:140,114,570, C>A. VCF-style: chr5-140114570-C-A. GRCh37 (hg19) VCF-style: chr5-139494155-C-A.
Other names: short protein forms P130Q.
Identifiers: ClinVar variation 4686810 (VCV004686810.1).

ClinVar aggregate classification (germline): Uncertain significance (1 of 4 stars; one submission).

Submission:

GeneDx
Classification: Uncertain significance. Last evaluated: 2025-07-24. Review status: criteria provided, single submitter. Criteria: GeneDx Variant Classification Process June 2021. Collection method: clinical testing. Allele origin: germline. Affected: yes.
Comment: Not observed at significant frequency in large population cohorts (gnomAD); In silico analysis suggests that this missense variant does not alter protein structure/function; Has not been previously published as pathogenic or benign to our knowledge